The following is an entry in ClinVar:

NM_002529.4(NTRK1):c.764C>A (p.Thr255Asn)

Gene: NTRK1 (neurotrophic receptor tyrosine kinase 1; plus strand). Cytogenetic location: 1q23.1.
Variant type: single nucleotide variant.
Coding change: c.764C>A on transcript NM_002529.4 (MANE Select); coding-DNA position 764, C replaced by A.
Protein change: p.Thr255Asn; replaces threonine 255 with asparagine.
Molecular consequence: missense variant.
Genome position (GRCh38, 1-based): chr1:156,871,669, C>A. VCF-style: chr1-156871669-C-A. GRCh37 (hg19) VCF-style: chr1-156841461-C-A.
Other names: c.764C>A, p.Thr255Asn (NM_001007204.1, NM_001012331.2); c.674C>A, p.Thr225Asn (NM_001007792.1); short protein forms T225N, T255N.
Identifiers: ClinVar variation 1989547 (VCV001989547.4), dbSNP rs1647562297, ClinGen allele CA342935104.

ClinVar aggregate classification (germline): Uncertain significance (1 of 4 stars; one submission).

Conditions:
Hereditary insensitivity to pain with anhidrosis (CIPA). Also called: NTRK1 Congenital Insensitivity to Pain with Anhidrosis; INSENSITIVITY TO PAIN, CONGENITAL, WITH ANHIDROSIS; FAMILIAL DYSAUTONOMIA, TYPE II; NEUROPATHY, CONGENITAL SENSORY, WITH ANHIDROSIS; HSAN Type IV; hereditary sensory and autonomic neuropathy type 4. Identifiers: Orphanet 642, MedGen C0020074, MONDO:0009746, OMIM 256800.

Allele frequency attached by ClinVar (database versions not stated): gnomAD exomes below 0.00001; TOPMed below 0.00001.
gnomAD v4.1: 3 of 1,614,150 alleles (0.00019%); highest among the groups gnomAD compares: Non-Finnish European, 0.00025%; no homozygotes.

Submission:

Labcorp Genetics (formerly Invitae), Labcorp
Classification: Uncertain significance for Hereditary insensitivity to pain with anhidrosis. Last evaluated: 2025-10-01. Review status: criteria provided, single submitter. Criteria: Invitae Variant Classification Sherloc (09022015). Collection method: clinical testing. Allele origin: germline.
Comment: This sequence change replaces threonine, which is neutral and polar, with asparagine, which is neutral and polar, at codon 255 of the NTRK1 protein (p.Thr255Asn). This variant is not present in population databases (gnomAD no frequency). This variant has not been reported in the literature in individuals affected with NTRK1-related conditions. ClinVar contains an entry for this variant (Variation ID: 1989547). Invitae Evidence Modeling of protein sequence and biophysical properties (such as structural, functional, and spatial information, amino acid conservation, physicochemical variation, residue mobility, and thermodynamic stability) indicates that this missense variant is not expected to disrupt NTRK1 protein function with a negative predictive value of 95%. In summary, the available evidence is currently insufficient to determine the role of this variant in disease. Therefore, it has been classified as a Variant of Uncertain Significance.